The following continues an entry in ClinVar:

NM_007194.4(CHEK2):c.1141A>G (p.Met381Val)

Gene: CHEK2. ClinVar aggregate classification (germline): Uncertain significance. Uncertain significance (13).

Submissions 10 to 15 of 15:

Myriad Genetics, Inc.
Classification: Uncertain significance for Familial cancer of breast. Last evaluated: 2023-03-09. Review status: criteria provided, single submitter. Criteria: Myriad Autosomal Dominant, Autosomal Recessive and X-Linked Classification Criteria (2023). Collection method: clinical testing. Allele origin: unknown.
Comment: This variant is classified as a variant of uncertain significance as there is insufficient evidence to determine its impact on protein function and/or cancer risk.

Fulgent Genetics
Classification: Uncertain significance for Familial cancer of breast; Familial prostate cancer; Bone osteosarcoma; CHEK2-related cancer predisposition. Last evaluated: 2018-10-31. Review status: criteria provided, single submitter. Criteria: ACMG Guidelines, 2015. Collection method: clinical testing. Allele origin: unknown.

Quest Diagnostics Nichols Institute San Juan Capistrano
Classification: Uncertain significance. Last evaluated: 2018-07-12. Review status: criteria provided, single submitter. Criteria: Quest Diagnostics criteria. Collection method: clinical testing. Allele origin: germline.

Mendelics
Classification: Uncertain significance for Familial cancer of breast. Last evaluated: 2018-07-02. Review status: criteria provided, single submitter. Criteria: Mendelics Assertion Criteria 2017. Collection method: clinical testing. Allele origin: unknown.

Counsyl
Classification: Uncertain significance for Familial cancer of breast. Last evaluated: 2016-02-16. Review status: no assertion criteria provided. Collection method: clinical testing. Allele origin: unknown. Not counted in ClinVar's aggregate classification.

Department of Pathology and Laboratory Medicine, Sinai Health System
Classification: Uncertain significance for Malignant tumor of breast. Review status: no assertion criteria provided. Collection method: clinical testing. Allele origin: unknown. Affected: yes. Observed: 1 variant allele. Study: The Canadian Open Genetics Repository (COGR). Not counted in ClinVar's aggregate classification.
Comment: The CHEK2 p.Met381Val variant was not identified in the literature nor was it identified in the MutDB, Zhejiang Colon Cancer Database, databases. The variant was identified in the following databases: dbSNP (ID: rs375130261) as With Uncertain significance allele, ClinVar (classified as uncertain significance by Ambry Genetics, GeneDx, Invitae, Counsyl, Color Genomics), Clinvitae, and Cosmic. The variant was identified in control databases in 11 of 276850 chromosomes at a frequency of 0.00004 (Genome Aggregation Database Feb 27, 2017). It was observed in the following populations: Latino in 1 of 34410 chromosomes (freq: 0.00003), European in 10 of 126376 chromosomes (freq: 0.0001); it was not observed in the African, Other, Ashkenazi Jewish, East Asian, Finnish, and South Asian populations. The p.Met381 residue is conserved across mammals and other organisms, and four out of five computational analyses (PolyPhen-2, SIFT, AlignGVGD, BLOSUM, MutationTaster) suggest that the variant may impact the protein; however, this information is not predictive enough to assume pathogenicity. The variant occurs outside of the splicing consensus sequence and 3 of 5 in silico or computational prediction software programs (SpliceSiteFinder, MaxEntScan, NNSPLICE, GeneSplicer, HumanSpliceFinder) predict a greater than 10% difference in splicing. However, this information is not predictive enough to assume pathogenicity. In summary, based on the above information, the clinical significance of this variant cannot be determined with certainty at this time. This variant is classified as a variant of uncertain significance.

Literature cited by the submitters: PubMed 25186627 (cited by 5 submitters); PubMed 28944238 (cited by 4 submitters); PubMed 30613976 (cited by 3 submitters); PubMed 32885271 (cited by 3 submitters); PubMed 32959997 (cited by 4 submitters); PubMed 36717774 (cited by Labcorp Genetics (formerly Invitae), Labcorp and Color Diagnostics, LLC DBA Color Health); PubMed 30851065 (cited by 4 submitters); PubMed 37449874 (cited by 3 submitters); PubMed 35264596 (cited by 3 submitters); PubMed 33471991 (cited by Women's Health and Genetics/Laboratory Corporation of America, LabCorp); PubMed 35534704 (cited by Women's Health and Genetics/Laboratory Corporation of America, LabCorp); PubMed 35957908 (cited by Women's Health and Genetics/Laboratory Corporation of America, LabCorp).